The following is an entry in ClinVar:

NM_023037.3(FRY):c.7558G>A (p.Asp2520Asn)

Gene: FRY (FRY microtubule binding protein; plus strand). Cytogenetic location: 13q13.1.
Variant type: single nucleotide variant.
Coding change: c.7558G>A on transcript NM_023037.3 (MANE Select); coding-DNA position 7558, G replaced by A.
Protein change: p.Asp2520Asn; replaces aspartic acid 2520 with asparagine.
Molecular consequence: missense variant.
Genome position (GRCh38, 1-based): chr13:32,261,757, G>A. VCF-style: chr13-32261757-G-A. GRCh37 (hg19) VCF-style: chr13-32835894-G-A.
Other names: c.7567G>A, p.Asp2523Asn (NM_001411012.1); short protein forms D2520N, D2523N.
Identifiers: ClinVar variation 3279974 (VCV003279974.2).

ClinVar aggregate classification (germline): Uncertain significance. Review status: criteria provided, single submitter (1 of 4 stars). 2 submissions from 2 submitters: Uncertain significance (1). 1 of the submissions does not count toward it. Last evaluated 2024-06-17.

Conditions:
FRY-related condition.

gnomAD v4.1: 13 of 1,614,070 alleles (0.00081%); highest among the groups gnomAD compares: Non-Finnish European, 0.001%; no homozygotes.

Submissions (2):

Ambry Genetics
Classification: Uncertain significance. Last evaluated: 2024-06-17. Review status: criteria provided, single submitter. Criteria: Ambry Variant Classification Scheme 2023. Collection method: clinical testing. Allele origin: germline.

PreventionGenetics, part of Exact Sciences
Classification: Uncertain significance for FRY-related condition. Last evaluated: 2024-04-04. Review status: no assertion criteria provided. Collection method: clinical testing. Allele origin: germline. Not counted in ClinVar's aggregate classification.
Comment: The FRY c.7558G>A variant is predicted to result in the amino acid substitution p.Asp2520Asn. To our knowledge, this variant has not been reported in the literature or in a large population database, indicating this variant is rare. At this time, the clinical significance of this variant is uncertain due to the absence of conclusive functional and genetic evidence.